The following is an entry in ClinVar:

NM_206933.4(USH2A):c.8811C>A (p.Asn2937Lys)

Gene: USH2A (usherin; minus strand). Cytogenetic location: 1q41.
Variant type: single nucleotide variant.
Coding change: c.8811C>A on transcript NM_206933.4 (MANE Select); coding-DNA position 8811, C replaced by A.
Protein change: p.Asn2937Lys; replaces asparagine 2937 with lysine.
Molecular consequence: missense variant.
Genome position (GRCh38, 1-based): chr1:215,867,041, G>T on the plus strand (C>A on the coding strand, the complement: USH2A is on the minus strand). VCF-style: chr1-215867041-G-T. GRCh37 (hg19) VCF-style: chr1-216040383-G-T.
Other names: short protein forms N2937K.
Identifiers: ClinVar variation 1490631 (VCV001490631.8), dbSNP rs544710050, ClinGen allele CA1394501.

ClinVar aggregate classification (germline): Uncertain significance (1 of 4 stars; one submission).

Allele frequency attached by ClinVar (database versions not stated): gnomAD exomes below 0.00001; ExAC 0.00001; gnomAD 0.00001; 1000 Genomes Project 30x 0.00016; 1000 Genomes Project 0.00020.
gnomAD v4.1: 2 of 1,614,128 alleles (0.00012%); highest among the groups gnomAD compares: Admixed American, 0.0017%; no homozygotes.

Submission:

Labcorp Genetics (formerly Invitae), Labcorp
Classification: Uncertain significance. Last evaluated: 2022-11-22. Review status: criteria provided, single submitter. Criteria: Invitae Variant Classification Sherloc (09022015). Collection method: clinical testing. Allele origin: germline.
Comment: This variant has not been reported in the literature in individuals affected with USH2A-related conditions. This sequence change replaces asparagine, which is neutral and polar, with lysine, which is basic and polar, at codon 2937 of the USH2A protein (p.Asn2937Lys). This variant is present in population databases (rs544710050, gnomAD 0.003%). ClinVar contains an entry for this variant (Variation ID: 1490631). In summary, the available evidence is currently insufficient to determine the role of this variant in disease. Therefore, it has been classified as a Variant of Uncertain Significance. Advanced modeling of protein sequence and biophysical properties (such as structural, functional, and spatial information, amino acid conservation, physicochemical variation, residue mobility, and thermodynamic stability) performed at Invitae indicates that this missense variant is not expected to disrupt USH2A protein function.